The following is an entry in ClinVar:

NM_000152.5(GAA):c.2093C>T (p.Ala698Val)

Gene: GAA (alpha glucosidase; plus strand). Cytogenetic location: 17q25.3.
Variant type: single nucleotide variant.
Coding change: c.2093C>T on transcript NM_000152.5 (MANE Select); coding-DNA position 2093, C replaced by T.
Protein change: p.Ala698Val; replaces alanine 698 with valine.
Molecular consequence: missense variant.
Genome position (GRCh38, 1-based): chr17:80,113,270, C>T. VCF-style: chr17-80113270-C-T. GRCh37 (hg19) VCF-style: chr17-78087069-C-T.
Other names: c.2093C>T (NM_000152.3); c.2093C>T, p.Ala698Val (NM_001079803.3, NM_001079804.3); short protein forms A698V.
Identifiers: ClinVar variation 1379610 (VCV001379610.7), dbSNP rs1001458871, ClinGen allele CA401370485.

ClinVar aggregate classification (germline): Uncertain significance. Review status: criteria provided, multiple submitters, no conflicts (2 of 4 stars). 3 submissions from 3 submitters: Uncertain significance (3). Last evaluated 2026-01-26.

Conditions:
Glycogen storage disease, type II (IOPD). Also called: CARDIOMEGALIA GLYCOGENICA DIFFUSA; GLYCOGENOSIS, GENERALIZED, CARDIAC FORM; GSD II; POMPE DISEASE, INFANTILE-ONSET; GLYCOGEN STORAGE DISEASE II, INFANTILE-ONSET; ACID ALPHA-GLUCOSIDASE DEFICIENCY, INFANTILE-ONSET. Identifiers: Orphanet 365, MedGen C0017921, MONDO:0009290, OMIM 232300.

Allele frequency attached by ClinVar (database versions not stated): gnomAD exomes below 0.00001.
gnomAD v4.1: 5 of 1,602,076 alleles (0.00031%); highest among the groups gnomAD compares: East Asian, 0.0023%; no homozygotes.

Submissions (3):

Labcorp Genetics (formerly Invitae), Labcorp
Classification: Uncertain significance for Glycogen storage disease, type II. Last evaluated: 2026-01-26. Review status: criteria provided, single submitter. Criteria: Invitae Variant Classification Sherloc (09022015). Collection method: clinical testing. Allele origin: germline.
Comment: This sequence change replaces alanine, which is neutral and non-polar, with valine, which is neutral and non-polar, at codon 698 of the GAA protein (p.Ala698Val). The frequency data for this variant in the population databases is considered unreliable, as metrics indicate poor data quality at this position in the gnomAD database. This variant has not been reported in the literature in individuals affected with GAA-related conditions. ClinVar contains an entry for this variant (Variation ID: 1379610). Invitae Evidence Modeling of protein sequence and biophysical properties (such as structural, functional, and spatial information, amino acid conservation, physicochemical variation, residue mobility, and thermodynamic stability) has been performed for this missense variant. However, the output from this modeling did not meet the statistical confidence thresholds required to predict the impact of this variant on GAA protein function. In summary, the available evidence is currently insufficient to determine the role of this variant in disease. Therefore, it has been classified as a Variant of Uncertain Significance.

Fulgent Genetics
Classification: Uncertain significance for Glycogen storage disease, type II. Last evaluated: 2021-10-04. Review status: criteria provided, single submitter. Criteria: ACMG Guidelines, 2015. Collection method: clinical testing. Allele origin: unknown.

Revvity Omics, Revvity
Classification: Uncertain significance. Last evaluated: 2020-11-05. Review status: criteria provided, single submitter. Criteria: ACMG Guidelines, 2015. Collection method: clinical testing. Allele origin: germline.